The following is an entry in ClinVar:

NM_000135.4(FANCA):c.427-3C>G

Gene: FANCA (FA complementation group A; minus strand). Cytogenetic location: 16q24.3.
Variant type: single nucleotide variant.
Coding change: c.427-3C>G on transcript NM_000135.4 (MANE Select); 3 bases into the intron before coding-DNA position 427, C replaced by G.
Molecular consequence: intron variant.
Genome position (GRCh38, 1-based): chr16:89,810,805, G>C on the plus strand (C>G on the coding strand, the complement: FANCA is on the minus strand). VCF-style: chr16-89810805-G-C. GRCh37 (hg19) VCF-style: chr16-89877213-G-C.
Other names: c.427-3C>G (NM_001286167.3, NM_001018112.3); c.426+124C>G (NM_001351830.2).
Identifiers: ClinVar variation 1343434 (VCV001343434.2), dbSNP rs2040847223, ClinGen allele CA2241938851.

ClinVar aggregate classification (germline): Likely pathogenic (1 of 4 stars; one submission).

Conditions:
Fanconi anemia (FA). Also called: Fanconi's anemia. Identifiers: Orphanet 84, MedGen C0015625, MeSH D005199, MONDO:0019391.

Allele frequency attached by ClinVar (database versions not stated): gnomAD exomes below 0.00001.
gnomAD v4.1: 1 of 1,612,348 alleles (0.000062%); highest among the groups gnomAD compares: East Asian, 0.0022%; no homozygotes.

Submission:

Women's Health and Genetics/Laboratory Corporation of America, LabCorp
Classification: Likely pathogenic for Fanconi anemia. Last evaluated: 2024-06-07. Review status: criteria provided, single submitter. Criteria: LabCorp Variant Classification Summary - May 2015. Collection method: clinical testing. Allele origin: germline.
Comment: Variant summary: FANCA c.427-3C>G alters a conserved nucleotide located close to a canonical splice site and therefore could affect mRNA splicing, leading to a significantly altered protein sequence. Several computational tools predict a significant impact on normal splicing: Two predict the variant abolishes the canonical 3' acceptor site and two predict that it weakens it. Experimental evidence supports these predictions demonstrating the variant causes aberrant mRNA splicing, leading to a shorter splice product (Cagnan_2018). The variant was absent in 251470 control chromosomes (gnomAD). c.427-3C>G has been reported in the literature in a homozygous individual affected with Fanconi Anemia (Cagnan_2018). The following publication has been ascertained in the context of this evaluation (PMID: 29247345). ClinVar contains an entry for this variant (Variation ID: 1343434). Based on the evidence outlined above, the variant was classified as likely pathogenic.

Literature cited by the submitters: PubMed 29247345.